The following is an entry in ClinVar:

ClinVar aggregate classification (germline): Uncertain significance (1 of 4 stars; one submission).

Submission:

Labcorp Genetics (formerly Invitae), Labcorp
Classification: Uncertain significance. Last evaluated: 2021-12-27. Review status: criteria provided, single submitter. Criteria: Invitae Variant Classification Sherloc (09022015). Collection method: clinical testing. Allele origin: germline.
Comment: In summary, the available evidence is currently insufficient to determine the role of this variant in disease. Therefore, it has been classified as a Variant of Uncertain Significance. This variant has not been reported in the literature in individuals affected with BTRC-related conditions. This variant is present in population databases (rs745797916, gnomAD 0.004%). This sequence change creates a premature translational stop signal (p.Cys547Serfs*17) in the BTRC gene. It is expected to result in an absent or disrupted protein product. However, the current clinical and genetic evidence is not sufficient to establish whether loss-of-function variants in BTRC cause disease.

NM_033637.4(BTRC):c.1638_1639del (p.Cys547fs)

Gene: BTRC (beta-transducin repeat containing E3 ubiquitin protein ligase; plus strand). Cytogenetic location: 10q24.32.
Variant type: Microsatellite.
Coding change: c.1638_1639del on transcript NM_033637.4 (MANE Select); coding-DNA positions 1638 to 1639, 2 bases deleted (CT; older notation c.1638_1639delCT).
Protein change: p.Cys547fs; shifts the reading frame from cysteine 547.
Molecular consequence: frameshift variant.
Genome position (GRCh38, 1-based): chr10:101,538,353-101,538,354, CT deleted; deleting any 2 consecutive bases within chr10:101,538,351-101,538,354 gives the same sequence; the c. name uses the placement nearest the transcript's 3' end. VCF-style (leftmost placement, unchanged base first): chr10-101538350-ACT-A. GRCh37 (hg19) VCF-style: chr10-103298107-ACT-A.
Other names: c.1560_1561del, p.Cys521fs (NM_001256856.2); c.1530_1531del, p.Cys511fs (NM_003939.5); short protein forms C547fs, C511fs, C521fs.
Identifiers: ClinVar variation 1953937 (VCV001953937.5), dbSNP rs745797916, ClinGen allele CA5656255.